The following is an entry in ClinVar:

NM_000169.3(GLA):c.802-3_804delinsGGCAACTTT

Genes: GLA (galactosidase alpha; minus strand), RPL36A-HNRNPH2 (RPL36A-HNRNPH2 readthrough; plus strand). Cytogenetic location: Xq22.1.
Variant type: Indel.
Coding change: c.802-3_804delinsGGCAACTTT on transcript NM_000169.3 (MANE Select); 3 bases into the intron before coding-DNA position 802 through coding-DNA position 804, CAGTTA replaced by GGCAACTTT.
Molecular consequence: splice acceptor variant. On other transcripts: intron variant (2).
Genome position (GRCh38, 1-based): chrX:101,398,565-101,398,570, TAACTG replaced by AAAGTTGCC on the plus strand (CAGTTA replaced by GGCAACTTT on the coding strand, the reverse complement: GLA is on the minus strand). VCF-style: chrX-101398565-TAACTG-AAAGTTGCC. GRCh37 (hg19) VCF-style: chrX-100653553-TAACTG-AAAGTTGCC.
Other names: c.300+3108_300+3113delinsAAAGTTGCC (NM_001199973.2); c.177+6743_177+6748delinsAAAGTTGCC (NM_001199974.2); c.925-3_927delinsGGCAACTTT (NM_001406747.1); c.802-3_804delinsGGCAACTTT (NM_001406748.1).
Identifiers: ClinVar variation 179299 (VCV000179299.4), dbSNP rs727504773, ClinGen allele CA273610.
Genomic context (GRCh38, chrX:101,398,565, plus strand): 5'-AGCCCAGAGGGCCATCTGAGTTACTTGCTGATTCCAGCTGAGGCCAAAGTTGCCAATCAC[TAACTG>AAAGTTGCC]AGAAAAAGAATGAAATAATTCAAACAAGAGAGGAGGAAACATTCTTAAAGTTACCTAGAT-3'

ClinVar aggregate classification (germline): Likely pathogenic (1 of 4 stars; one submission).

Conditions:
Fabry disease. Also called: Fabry's disease; HEREDITARY DYSTOPIC LIPIDOSIS; Angiokeratoma corporis diffusum; ALPHA-GALACTOSIDASE A DEFICIENCY; ANDERSON-FABRY DISEASE; CERAMIDE TRIHEXOSIDASE DEFICIENCY. Identifiers: Orphanet 324, MedGen C0002986, MONDO:0010526, OMIM 301500, HP:0001071. Disease mechanism: Fabry disease is due to inactivating mutations in the X-linked GLA gene resulting in deficiency of the enzyme Alpha Galactosidase-A., loss of function.

Submission:

Laboratory for Molecular Medicine, Mass General Brigham Personalized Medicine
Classification: Likely pathogenic for Fabry disease. Last evaluated: 2013-09-19. Review status: criteria provided, single submitter. Criteria: LMM Criteria. Collection method: clinical testing. Allele origin: germline. Inheritance: X-linked inheritance. Observed: 1 variant allele.
Comment: The 802-3_804delinsGGCAACTTT variant in GLA has not been previously reported in individuals with cardiomyopathy or Fabry disease. Data from large population stu dies is insufficient to assess the frequency of this variant. This variant is lo cated in a 3' splice region and alters the invariant region (+/- 1,2) of the spl ice consensus. This is predicted to cause altered splicing leading to an abnorma l or absent protein. Variants in GLA are strongly associated with Fabry disease , an X-linked lysosomal storage disorder, which may present as isolated HCM (Bee r 2002). In summary, this variant is likely to be pathogenic, but additional stu dies are needed to fully establish its clinical significance.